The following is an entry in ClinVar:

ClinVar aggregate classification (germline): Uncertain significance (1 of 4 stars; one submission).

Conditions:
Brugada syndrome 8 (BRGDA8). Identifiers: Orphanet 130, MedGen C2751083, MONDO:0013148, OMIM 613123.

Submission:

Labcorp Genetics (formerly Invitae), Labcorp
Classification: Uncertain significance for Brugada syndrome 8. Last evaluated: 2019-03-07. Review status: criteria provided, single submitter. Criteria: Invitae Variant Classification Sherloc (09022015). Collection method: clinical testing. Allele origin: germline.
Comment: This variant is not present in population databases (ExAC no frequency). In summary, the available evidence is currently insufficient to determine the role of this variant in disease. Therefore, it has been classified as a Variant of Uncertain Significance. Algorithms developed to predict the effect of missense changes on protein structure and function are either unavailable or do not agree on the potential impact of this missense change (SIFT: "Deleterious"; PolyPhen-2: "Not Available"; Align-GVGD: "Class C55"). This variant has not been reported in the literature in individuals with HCN4-related conditions. This sequence change replaces threonine with serine at codon 316 of the HCN4 protein (p.Thr316Ser). The threonine residue is highly conserved and there is a small physicochemical difference between threonine and serine.

NM_005477.3(HCN4):c.946A>T (p.Thr316Ser)

Genes: HCN4 (hyperpolarization activated cyclic nucleotide gated potassium channel 4; minus strand), LOC105370890 (uncharacterized LOC105370890; plus strand), LOC126862173 (CDK7 strongly-dependent group 2 enhancer GRCh37_chr15:73635762-73636961; plus strand). Cytogenetic location: 15q24.1.
Variant type: single nucleotide variant.
Coding change: c.946A>T on transcript NM_005477.3 (MANE Select); coding-DNA position 946, A replaced by T.
Protein change: p.Thr316Ser; replaces threonine 316 with serine.
Molecular consequence: missense variant.
Genome position (GRCh38, 1-based): chr15:73,343,648, T>A on the plus strand (A>T on the coding strand, the complement: HCN4 is on the minus strand). VCF-style: chr15-73343648-T-A. GRCh37 (hg19) VCF-style: chr15-73635989-T-A.
Other names: short protein forms T316S.
Identifiers: ClinVar variation 846864 (VCV000846864.10), dbSNP rs2043017887, ClinGen allele CA393095189.
Genomic context (GRCh38, chr15:73,343,648, plus strand): 5'-TCATTTTAATCCGCTGCGGGTCCAGGATGATCTCTGTGTTGTCCTCCACCACGATCCCTG[T>A]GCGGAAGTTGAGGACCAAGTCGATGAGGAAGAATGTGTCTGACACCACATTGAAGACAAT-3'
Protein context (NP_005468.1, residues 306-326): FLIDLVLNFR[Thr316Ser]GIVVEDNTEI